The following is an entry in ClinVar:

ClinVar aggregate classification (germline): Uncertain significance (1 of 4 stars; one submission).

Conditions:
Primary ciliary dyskinesia. Also called: Ciliary dyskinesia. Identifiers: Orphanet 244, MedGen C0008780, MONDO:0016575, HP:0012265.

Allele frequency attached by ClinVar (database versions not stated): gnomAD exomes below 0.00001.
gnomAD v4.1: 6 of 1,613,956 alleles (0.00037%); highest among the groups gnomAD compares: South Asian, 0.0022%; no homozygotes.

Submission:

Labcorp Genetics (formerly Invitae), Labcorp
Classification: Uncertain significance for Primary ciliary dyskinesia. Last evaluated: 2022-07-06. Review status: criteria provided, single submitter. Criteria: Invitae Variant Classification Sherloc (09022015). Collection method: clinical testing. Allele origin: germline.
Comment: In summary, the available evidence is currently insufficient to determine the role of this variant in disease. Therefore, it has been classified as a Variant of Uncertain Significance. Algorithms developed to predict the effect of sequence changes on RNA splicing suggest that this variant may create or strengthen a splice site. Algorithms developed to predict the effect of missense changes on protein structure and function are either unavailable or do not agree on the potential impact of this missense change (SIFT: "Deleterious"; PolyPhen-2: "Not Available"; Align-GVGD: "Class C25"). ClinVar contains an entry for this variant (Variation ID: 956034). This variant has not been reported in the literature in individuals affected with DNAH8-related conditions. This variant is present in population databases (no rsID available, gnomAD 0.003%). This sequence change replaces isoleucine, which is neutral and non-polar, with valine, which is neutral and non-polar, at codon 3985 of the DNAH8 protein (p.Ile3985Val).

NM_001206927.2(DNAH8):c.11953A>G (p.Ile3985Val)

Genes: DNAH8 (dynein axonemal heavy chain 8; plus strand), DNAH8-AS1 (DNAH8 antisense RNA 1; minus strand). Cytogenetic location: 6p21.2.
Variant type: single nucleotide variant.
Coding change: c.11953A>G on transcript NM_001206927.2 (MANE Select); coding-DNA position 11953, A replaced by G.
Protein change: p.Ile3985Val; replaces isoleucine 3985 with valine.
Molecular consequence: missense variant.
Genome position (GRCh38, 1-based): chr6:38,938,934, A>G. VCF-style: chr6-38938934-A-G. GRCh37 (hg19) VCF-style: chr6-38906710-A-G.
Other names: c.11302A>G, p.Ile3768Val (NM_001371.4); short protein forms I3985V, I3768V.
Identifiers: ClinVar variation 956034 (VCV000956034.8), dbSNP rs1305810294, ClinGen allele CA364021563.